The following is an entry in ClinVar:

NM_032898.5(CEP19):c.419T>C (p.Ile140Thr)

Gene: CEP19 (centrosomal protein 19; minus strand). Cytogenetic location: 3q29.
Variant type: single nucleotide variant.
Coding change: c.419T>C on transcript NM_032898.5 (MANE Select); coding-DNA position 419, T replaced by C.
Protein change: p.Ile140Thr; replaces isoleucine 140 with threonine.
Molecular consequence: missense variant.
Genome position (GRCh38, 1-based): chr3:196,707,624, A>G on the plus strand (T>C on the coding strand, the complement: CEP19 is on the minus strand). VCF-style: chr3-196707624-A-G. GRCh37 (hg19) VCF-style: chr3-196434495-A-G.
Other names: c.314T>C, p.Ile105Thr (NM_001379468.1); c.419T>C, p.Ile140Thr (NM_001379469.1, NM_001379470.1); short protein forms I140T, I105T.
Identifiers: ClinVar variation 1424695 (VCV001424695.8), dbSNP rs745837660, ClinGen allele CA90867140.
Genomic context (GRCh38, chr3:196,707,624, plus strand): 5'-GCTGACTCTGTGTCCCAGCCACAGGACTGCAGTTGATCGTCCTGTGGAAATTCAACCTCA[A>G]TGTCATAAACAAAATTTGGATCATCCTTCTTCTTCTGATTTTTCTCAAAAAGTTCATCCA-3'
Protein context (NP_116287.3, residues 130-150): KKDDPNFVYD[Ile140Thr]EVEFPQDDQL

ClinVar aggregate classification (germline): Uncertain significance (1 of 4 stars; one submission).

Allele frequency attached by ClinVar (database versions not stated): gnomAD exomes 0.00001.
gnomAD v4.1: 11 of 1,613,912 alleles (0.00068%); highest among the groups gnomAD compares: Non-Finnish European, 0.00085%; no homozygotes.

Submission:

Labcorp Genetics (formerly Invitae), Labcorp
Classification: Uncertain significance. Last evaluated: 2024-02-24. Review status: criteria provided, single submitter. Criteria: Invitae Variant Classification Sherloc (09022015). Collection method: clinical testing. Allele origin: germline.
Comment: This sequence change replaces isoleucine, which is neutral and non-polar, with threonine, which is neutral and polar, at codon 144 of the CEP19 protein (p.Ile144Thr). This variant is not present in population databases (gnomAD no frequency). This variant has not been reported in the literature in individuals affected with CEP19-related conditions. ClinVar contains an entry for this variant (Variation ID: 1424695). An algorithm developed to predict the effect of missense changes on protein structure and function (PolyPhen-2) suggests that this variant is likely to be tolerated. In summary, the available evidence is currently insufficient to determine the role of this variant in disease. Therefore, it has been classified as a Variant of Uncertain Significance.